The following is an entry in ClinVar:

ClinVar aggregate classification (germline): Uncertain significance (0 of 4 stars; one submission).

Conditions:
SPEN-related disorder. Also called: SPEN-related condition.

gnomAD v4.1: 1 of 1,614,168 alleles (0.000062%); highest among the groups gnomAD compares: Non-Finnish European, 0.000085%; no homozygotes.

Submission:

PreventionGenetics, part of Exact Sciences
Classification: Uncertain significance for SPEN-related condition. Last evaluated: 2024-05-05. Review status: no assertion criteria provided. Collection method: clinical testing. Allele origin: germline.
Comment: The SPEN c.4268C>G variant is predicted to result in the amino acid substitution p.Ser1423Cys. To our knowledge, this variant has not been reported in the literature or in a large population database, indicating this variant is rare. At this time, the clinical significance of this variant is uncertain due to the absence of conclusive functional and genetic evidence.

NM_015001.3(SPEN):c.4268C>G (p.Ser1423Cys)

Gene: SPEN (spen family transcriptional repressor; plus strand). Cytogenetic location: 1p36.13.
Variant type: single nucleotide variant.
Coding change: c.4268C>G on transcript NM_015001.3 (MANE Select); coding-DNA position 4268, C replaced by G.
Protein change: p.Ser1423Cys; replaces serine 1423 with cysteine.
Molecular consequence: missense variant.
Genome position (GRCh38, 1-based): chr1:15,930,508, C>G. VCF-style: chr1-15930508-C-G. GRCh37 (hg19) VCF-style: chr1-16257003-C-G.
Other names: short protein forms S1423C.
Identifiers: ClinVar variation 3344861 (VCV003344861.1).